The following is an entry in ClinVar:

ClinVar aggregate classification (germline): Pathogenic/Likely pathogenic. Review status: criteria provided, multiple submitters, no conflicts (2 of 4 stars). 4 submissions from 3 submitters: Pathogenic (2); Likely pathogenic (2). Last evaluated 2020-11-01.

Conditions:
Neurodevelopmental disorder with visual defects and brain anomalies. Identifiers: MedGen C5231404, MONDO:0032807, OMIM 618547.
Charcot-Marie-Tooth disease type 4G. Also called: CHARCOT-MARIE-TOOTH DISEASE, DEMYELINATING, TYPE 4G; CHARCOT-MARIE-TOOTH NEUROPATHY, TYPE 4G; Neuropathy, hereditary motor and sensory, Russe type. Identifiers: Orphanet 99953, MedGen C1854449, MONDO:0011534, OMIM 605285.

Allele frequency attached by ClinVar (database versions not stated): TOPMed 0.00001; gnomAD 0.00001.
gnomAD v4.1: 16 of 1,613,216 alleles (0.00099%); highest among the groups gnomAD compares: East Asian, 0.0067%; no homozygotes.

Submissions (4):

Laboratory of Applied Genomics, Kongju National University
Classification: Pathogenic for Charcot-Marie-Tooth disease type 4G. Last evaluated: 2020-11-01. Review status: criteria provided, single submitter. Criteria: ACMG Guidelines, 2015. Collection method: clinical testing. Allele origin: germline. Affected: yes.
Comment: Recessive condition

Kasturba Medical College, Manipal, Kasturba Medical College, Manipal, Manipal Academy of Higher Education, Manipal, India
Classification: Pathogenic for Charcot-Marie-Tooth disease type 4G. Review status: criteria provided, single submitter. Criteria: ACMG Guidelines, 2015. Collection method: clinical testing. Allele origin: unknown. Inheritance: Autosomal recessive inheritance. Affected: yes. Observed: 1 homozygote.

Neuberg Centre For Genomic Medicine, NCGM
Classification: Likely pathogenic for Charcot-Marie-Tooth disease type 4G. Review status: criteria provided, single submitter. Criteria: ACMG Guidelines, 2015. Collection method: clinical testing. Allele origin: germline. Inheritance: Autosomal recessive inheritance. Affected: yes.
Comment: The stop gain variant c.19C>T (p.Arg7Ter) has not been reported previously as a pathogenic variant nor as a benign variant, to our knowledge. This variant is reported with the allele frequency (0.0002%) in the gnomAD and novel in 1000 genome database. This variant is predicted to cause loss of normal protein function through protein truncation. Loss of function variants have been previously reported to be disease causing. For these reasons, this variant has been classified as Likely Pathogenic.

Neuberg Centre For Genomic Medicine, NCGM
Classification: Likely pathogenic for Neurodevelopmental disorder with visual defects and brain anomalies. Review status: criteria provided, single submitter. Criteria: ACMG Guidelines, 2015. Collection method: clinical testing. Allele origin: germline. Inheritance: Autosomal dominant inheritance. Affected: yes.
Comment: The observed stop gained variant c.19C>T(p.Arg7Ter) in the HK1 gene has been reported previously in homozygous state in an individual affected with Neuropathy, hereditary motor and sensory, Russe type (Kanwal S, et al., 2021). This variant is reported with the allele frequency 0.002% in the gnomAD Exomes. It is submitted to ClinVar as Pathogenic. However, no details are available for independent assessment. This variant is predicted to cause loss of normal protein function either through protein truncation or nonsense-mediated mRNA decay. Loss of function variants have been previously reported to be disease causing (Kanwal S, et al., 2021). Computational evidence (MutationTaster - Disease causing) predicts damaging effect on protein structure and function for this variant. However study on multiple affected individuals and functional studies on the pathogenicity of the variant is unavailable. For these reasons, this variant has been classified as Likely Pathogenic.

Literature cited by the submitters: DOI 10.1186/s12920-021-01019-5 (cited by Kasturba Medical College, Manipal, Kasturba Medical College, Manipal, Manipal Academy of Higher Education, Manipal, India).

NM_001358263.1(HK1):c.19C>T (p.Arg7Ter)

Gene: HK1 (hexokinase 1; plus strand). Cytogenetic location: 10q22.1.
Variant type: single nucleotide variant.
Coding change: c.19C>T on transcript NM_001358263.1 (MANE Plus Clinical); coding-DNA position 19, C replaced by T.
Protein change: p.Arg7Ter; replaces arginine 7 with a stop codon.
Molecular consequence: nonsense. On other transcripts: 5 prime UTR variant (1).
Genome position (GRCh38, 1-based): chr10:69,288,762, C>T. VCF-style: chr10-69288762-C-T. GRCh37 (hg19) VCF-style: chr10-71048518-C-T.
Other names: c.19C>T, p.Arg7Ter (NM_001322364.2, NM_001322365.2, NM_033497.3 and 1 more transcripts); c.-123C>T (NM_033500.2); c.19C>T (NM_001322365.1); short protein forms R7*.
Identifiers: ClinVar variation 1172759 (VCV001172759.5), dbSNP rs779250530, ClinGen allele CA5532060.
Genomic context (GRCh38, chr10:69,288,762, plus strand): 5'-AGCAGAAGAAAGGACCCGAGGTCAGCAAGTGCCCTCCCCACAATGGGGCAGATCTGCCAG[C>T]GAGAATCGGTAAGCTCTGGTGTTTCTTTCTTTCTTTCTTTTTTTGAGACGTTTTTGTTCC-3'